The following is an entry in ClinVar:

ClinVar aggregate classification (germline): Benign/Likely benign. Review status: criteria provided, multiple submitters, no conflicts (2 of 4 stars). 3 submissions from 3 submitters: Benign (1); Likely benign (2). Last evaluated 2026-01-26.

Conditions:
Immunodeficiency 19 (IMD19). Also called: SEVERE COMBINED IMMUNODEFICIENCY, T CELL-NEGATIVE, B CELL-POSITIVE, NK CELL-POSITIVE; SCID, T CELL-NEGATIVE, B CELL-POSITIVE, NK CELL-POSITIVE; CD3-DELTA DEFICIENCY; IMMUNODEFICIENCY 19, SEVERE COMBINED. Identifiers: MedGen C3810147, MONDO:0014280, OMIM 615617.

Allele frequency attached by ClinVar (database versions not stated): gnomAD exomes 0.00005 and 0.00013; ExAC 0.00022; TOPMed 0.00042; gnomAD 0.00044 and 0.00047; 1000 Genomes Project 30x 0.00047; 1000 Genomes Project 0.00060; ESP Exome Variant Server 0.00069.
gnomAD v4.1: 140 of 1,567,066 alleles (0.0089%); highest among the groups gnomAD compares: African/African-American, 0.17%; no homozygotes.

Submissions (3):

Labcorp Genetics (formerly Invitae), Labcorp
Classification: Benign for Immunodeficiency 19. Last evaluated: 2026-01-26. Review status: criteria provided, single submitter. Criteria: Invitae Variant Classification Sherloc (09022015). Collection method: clinical testing. Allele origin: germline.

Blueprint Genetics
Classification: Likely benign. Last evaluated: 2023-12-08. Review status: criteria provided, single submitter. Criteria: ACMG Guidelines, 2015. Collection method: clinical testing. Allele origin: germline.

GeneDx
Classification: Likely benign. Last evaluated: 2017-01-24. Review status: criteria provided, single submitter. Criteria: GeneDx Variant Classification (06012015). Collection method: clinical testing. Allele origin: germline. Affected: yes.
Comment: This variant is considered likely benign or benign based on one or more of the following criteria: it is a conservative change, it occurs at a poorly conserved position in the protein, it is predicted to be benign by multiple in silico algorithms, and/or has population frequency not consistent with disease.

NM_000732.6(CD3D):c.56-17T>C

Gene: CD3D (CD3 delta subunit of T-cell receptor complex; minus strand). Cytogenetic location: 11q23.3.
Variant type: single nucleotide variant.
Coding change: c.56-17T>C on transcript NM_000732.6 (MANE Select); 17 bases into the intron before coding-DNA position 56, T replaced by C.
Molecular consequence: intron variant.
Genome position (GRCh38, 1-based): chr11:118,340,610, A>G on the plus strand (T>C on the coding strand, the complement: CD3D is on the minus strand). VCF-style: chr11-118340610-A-G. GRCh37 (hg19) VCF-style: chr11-118211325-A-G.
Other names: c.56-17T>C (NM_001040651.2).
Identifiers: ClinVar variation 506971 (VCV000506971.10), dbSNP rs202077439, ClinGen allele CA6301995.
Genomic context (GRCh38, chr11:118,340,610, plus strand): 5'-CACTCTGTCCTCAAGTTCCTCTATAGGTATCTTGAAGGGGCTCACTAAAGGGGAAAAAAT[A>G]TCACAGTTGGAGACAGCTCTTTGATCTGCACCAAGCCCTTTGTTCTGCGGAAGCTCATAC-3'